The following is an entry in ClinVar:

ClinVar aggregate classification (germline): Likely benign. Review status: criteria provided, multiple submitters, no conflicts (2 of 4 stars). 3 submissions from 3 submitters: Likely benign (3). Last evaluated 2025-12-01.

Conditions:
Inborn genetic diseases. Identifiers: MedGen C0950123, MeSH D030342.
SLC29A3-related disorder. Also called: SLC29A3-related condition.
H syndrome. Also called: FAISALABAD HISTIOCYTOSIS; Pigmented hypertrichosis and insulin-dependent diabetes mellitus; HISTIOCYTOSIS AND LYMPHADENOPATHY WITH OR WITHOUT CUTANEOUS, CARDIAC, AND/OR ENDOCRINE FEATURES, JOINT CONTRACTURES, AND/OR DEAFNESS; HYPERPIGMENTATION, CUTANEOUS, WITH HYPERTRICHOSIS, HEPATOSPLENOMEGALY, HEART ANOMALIES, AND HYPOGONADISM WITH OR WITHOUT HEARING LOSS; PIGMENTED HYPERTRICHOSIS WITH INSULIN-DEPENDENT DIABETES MELLITUS; ROSAI-DORFMAN DISEASE, FAMILIAL. Identifiers: Orphanet 168569, MedGen C1864445, MONDO:0011273, OMIM 602782.

Allele frequency attached by ClinVar (database versions not stated): gnomAD exomes 0.00002 and 0.00004; ExAC 0.00004; ESP Exome Variant Server 0.00008; TOPMed 0.00010; gnomAD 0.00011 and 0.00012.
gnomAD v4.1: 42 of 1,613,970 alleles (0.0026%); highest among the groups gnomAD compares: African/African-American, 0.028%; no homozygotes.

Submissions (3):

Labcorp Genetics (formerly Invitae), Labcorp
Classification: Likely benign for H syndrome. Last evaluated: 2025-12-01. Review status: criteria provided, single submitter. Criteria: Invitae Variant Classification Sherloc (09022015). Collection method: clinical testing. Allele origin: germline.

PreventionGenetics, part of Exact Sciences
Classification: Likely benign for SLC29A3-related condition. Last evaluated: 2025-11-16. Review status: criteria provided, single submitter. Criteria: ACMG Guidelines, 2015. Collection method: clinical testing. Allele origin: germline.
Comment: This variant is classified as likely benign based on ACMG/AMP sequence variant interpretation guidelines (Richards et al. 2015 PMID: 25741868, with internal and published modifications).

Ambry Genetics
Classification: Likely benign for Inborn genetic diseases. Last evaluated: 2025-08-26. Review status: criteria provided, single submitter. Criteria: Ambry Variant Classification Scheme 2023. Collection method: clinical testing. Allele origin: germline.

NM_018344.6(SLC29A3):c.1011G>A (p.Ser337=)

Gene: SLC29A3 (solute carrier family 29 member 3; plus strand). Cytogenetic location: 10q22.1.
Variant type: single nucleotide variant.
Coding change: c.1011G>A on transcript NM_018344.6 (MANE Select); coding-DNA position 1011, G replaced by A.
Protein change: p.Ser337=; no amino-acid change (serine 337 retained).
Molecular consequence: synonymous variant. On other transcripts: 3 prime UTR variant (1), non-coding transcript variant (2).
Genome position (GRCh38, 1-based): chr10:71,362,191, G>A. VCF-style: chr10-71362191-G-A. GRCh37 (hg19) VCF-style: chr10-73121948-G-A.
Other names: c.*240G>A (NM_001174098.2); c.777G>A, p.Ser259= (NM_001363518.2); c.1011G>A (NM_018344.5).
Identifiers: ClinVar variation 1119710 (VCV001119710.11), dbSNP rs151273259, ClinGen allele CA5543111.